The following is an entry in ClinVar:

ClinVar aggregate classification (germline): Pathogenic/Likely pathogenic. Review status: criteria provided, multiple submitters, no conflicts (2 of 4 stars). 2 submissions from 2 submitters: Pathogenic (1); Likely pathogenic (1). Last evaluated 2022-02-08.

Conditions:
Hereditary spastic paraplegia 11. Also called: Nakamura Osame syndrome; Autosomal recessive hereditary spastic paraplegia, mental impairment, and thin corpus callosum; SPASTIC PARAPLEGIA, AUTOSOMAL RECESSIVE, COMPLICATED, WITH THIN CORPUS CALLOSUM; SPASTIC PARAPLEGIA, AUTOSOMAL RECESSIVE, WITH MENTAL IMPAIRMENT AND THIN CORPUS CALLOSUM; Spastic Paraplegia 11; Spastic paraplegia, mental retardation and thin corpus callosum. Identifiers: Orphanet 2822, MedGen C1858479, MONDO:0011445, OMIM 604360.

Submissions (2):

Labcorp Genetics (formerly Invitae), Labcorp
Classification: Pathogenic for Hereditary spastic paraplegia 11. Last evaluated: 2022-02-08. Review status: criteria provided, single submitter. Criteria: Invitae Variant Classification Sherloc (09022015). Collection method: clinical testing. Allele origin: germline.
Comment: For these reasons, this variant has been classified as Pathogenic. ClinVar contains an entry for this variant (Variation ID: 974778). This premature translational stop signal has been observed in individual(s) with clinical features of Charcot-Marie-Tooth disease (Invitae). This variant is not present in population databases (gnomAD no frequency). This sequence change creates a premature translational stop signal (p.Thr2146Argfs*2) in the SPG11 gene. It is expected to result in an absent or disrupted protein product. Loss-of-function variants in SPG11 are known to be pathogenic (PMID: 19105190, 20110243, 22154821, 26556829).

CENTOGENE GmbH and LLC - Guiding Precision Medicine
Classification: Likely pathogenic for Hereditary spastic paraplegia 11. Review status: criteria provided, single submitter. Criteria: ACMG Guidelines, 2015. Collection method: clinical testing. Allele origin: germline. Affected: yes.

Literature cited by the submitters: PubMed 19105190 (cited by Labcorp Genetics (formerly Invitae), Labcorp); PubMed 20110243 (cited by Labcorp Genetics (formerly Invitae), Labcorp); PubMed 22154821 (cited by Labcorp Genetics (formerly Invitae), Labcorp); PubMed 26556829 (cited by Labcorp Genetics (formerly Invitae), Labcorp).

NM_025137.4(SPG11):c.6437_6438del (p.Thr2146fs)

Gene: SPG11 (SPG11 vesicle trafficking associated, spatacsin; minus strand). Cytogenetic location: 15q21.1.
Variant type: Microsatellite.
Coding change: c.6437_6438del on transcript NM_025137.4 (MANE Select); coding-DNA positions 6437 to 6438, 2 bases deleted (CA; older notation c.6437_6438delCA).
Protein change: p.Thr2146fs; shifts the reading frame from threonine 2146.
Molecular consequence: frameshift variant.
Genome position (GRCh38, 1-based): chr15:44,570,564-44,570,565, TG deleted on the plus strand (CA on the coding strand, the reverse complement: SPG11 is on the minus strand); deleting any 2 consecutive bases within chr15:44,570,564-44,570,567 gives the same sequence; the c. name uses the placement nearest the transcript's 3' end. VCF-style (leftmost placement, unchanged base first): chr15-44570563-CTG-C. GRCh37 (hg19) VCF-style: chr15-44862761-CTG-C.
Other names: c.6098_6099del, p.Thr2033fs (NM_001160227.2); short protein forms T2033fs, T2146fs.
Identifiers: ClinVar variation 974778 (VCV000974778.6), dbSNP rs2082401685, ClinGen allele CA2173685368.